The following is an entry in ClinVar:

NM_001106.4(ACVR2B):c.666+8_666+9delinsAG

Gene: ACVR2B (activin A receptor type 2B; plus strand). Cytogenetic location: 3p22.2.
Variant type: Indel.
Coding change: c.666+8_666+9delinsAG on transcript NM_001106.4 (MANE Select); bases 8 to 9 of the intron after coding-DNA position 666, TT replaced by AG.
Molecular consequence: intron variant.
Genome position (GRCh38, 1-based): chr3:38,478,526-38,478,527, TT replaced by AG. VCF-style: chr3-38478526-TT-AG. GRCh37 (hg19) VCF-style: chr3-38520017-TT-AG.
Identifiers: ClinVar variation 3655349 (VCV003655349.2).

ClinVar aggregate classification (germline): Uncertain significance (1 of 4 stars; one submission).

Conditions:
Heterotaxy, visceral, 4, autosomal (HTX4). Identifiers: Orphanet 450, MedGen C3151057, MONDO:0013403, OMIM 613751.

Submission:

Labcorp Genetics (formerly Invitae), Labcorp
Classification: Uncertain significance for Heterotaxy, visceral, 4, autosomal. Last evaluated: 2024-02-24. Review status: criteria provided, single submitter. Criteria: Invitae Variant Classification Sherloc (09022015). Collection method: clinical testing. Allele origin: germline.
Comment: This sequence change falls in intron 5 of the ACVR2B gene. It does not directly change the encoded amino acid sequence of the ACVR2B protein. Information on the frequency of this variant in the gnomAD database is not available, as this variant may be reported differently in the database. This variant has not been reported in the literature in individuals affected with ACVR2B-related conditions. Experimental studies and prediction algorithms are not available or were not evaluated, and the effect of this variant on mRNA splicing is currently unknown. In summary, the available evidence is currently insufficient to determine the role of this variant in disease. Therefore, it has been classified as a Variant of Uncertain Significance.